The following is an entry in ClinVar:

ClinVar aggregate classification (germline): Uncertain significance (1 of 4 stars; one submission).

Submission:

Labcorp Genetics (formerly Invitae), Labcorp
Classification: Uncertain significance. Last evaluated: 2022-05-27. Review status: criteria provided, single submitter. Criteria: Invitae Variant Classification Sherloc (09022015). Collection method: clinical testing. Allele origin: germline.
Comment: In summary, the available evidence is currently insufficient to determine the role of this variant in disease. Therefore, it has been classified as a Variant of Uncertain Significance. Algorithms developed to predict the effect of missense changes on protein structure and function output the following: SIFT: "Deleterious"; PolyPhen-2: "Benign"; Align-GVGD: "Class C0". The cysteine amino acid residue is found in multiple mammalian species, which suggests that this missense change does not adversely affect protein function. This variant has not been reported in the literature in individuals affected with SAMD9-related conditions. This variant is not present in population databases (gnomAD no frequency). This sequence change replaces serine, which is neutral and polar, with cysteine, which is neutral and slightly polar, at codon 1267 of the SAMD9 protein (p.Ser1267Cys).

NM_017654.4(SAMD9):c.3800C>G (p.Ser1267Cys)

Gene: SAMD9 (sterile alpha motif domain containing 9; minus strand). Cytogenetic location: 7q21.2.
Variant type: single nucleotide variant.
Coding change: c.3800C>G on transcript NM_017654.4 (MANE Select); coding-DNA position 3800, C replaced by G.
Protein change: p.Ser1267Cys; replaces serine 1267 with cysteine.
Molecular consequence: missense variant.
Genome position (GRCh38, 1-based): chr7:93,102,298, G>C on the plus strand (C>G on the coding strand, the complement: SAMD9 is on the minus strand). VCF-style: chr7-93102298-G-C. GRCh37 (hg19) VCF-style: chr7-92731611-G-C.
Other names: c.3800C>G, p.Ser1267Cys (NM_001193307.2); short protein forms S1267C.
Identifiers: ClinVar variation 1999340 (VCV001999340.4), dbSNP rs2535354705, ClinGen allele CA368182600.